The following is an entry in ClinVar:

NM_012203.2(GRHPR):c.50C>G (p.Ala17Gly)

Gene: GRHPR (glyoxylate and hydroxypyruvate reductase; plus strand). Cytogenetic location: 9p13.2.
Variant type: single nucleotide variant.
Coding change: c.50C>G on transcript NM_012203.2 (MANE Select); coding-DNA position 50, C replaced by G.
Protein change: p.Ala17Gly; replaces alanine 17 with glycine.
Molecular consequence: missense variant.
Genome position (GRCh38, 1-based): chr9:37,422,800, C>G. VCF-style: chr9-37422800-C-G. GRCh37 (hg19) VCF-style: chr9-37422797-C-G.
Other names: short protein forms A17G.
Identifiers: ClinVar variation 4266842 (VCV004266842.1).

ClinVar aggregate classification (germline): Uncertain significance (1 of 4 stars; one submission).

Conditions:
Nephrolithiasis/nephrocalcinosis. Identifiers: MedGen CN580796.

gnomAD v4.1: 1 of 1,602,954 alleles (0.000062%); highest among the groups gnomAD compares: Non-Finnish European, 0.000085%; no homozygotes.

Submission:

Ambry Genetics
Classification: Uncertain significance for Nephrolithiasis/nephrocalcinosis. Last evaluated: 2025-06-15. Review status: criteria provided, single submitter. Criteria: Ambry Variant Classification Scheme 2023. Collection method: clinical testing. Allele origin: germline.
Comment: The p.A17G variant (also known as c.50C>G), located in coding exon 1 of the GRHPR gene, results from a C to G substitution at nucleotide position 50. The alanine at codon 17 is replaced by glycine, an amino acid with similar properties. This amino acid position is conserved. In addition, this alteration is predicted to be tolerated by in silico analysis. Based on the available evidence, the clinical significance of this variant remains unclear.